The following is an entry in ClinVar:

NM_000059.4(BRCA2):c.548G>T (p.Ser183Ile)

Gene: BRCA2 (BRCA2 DNA repair associated; plus strand). Cytogenetic location: 13q13.1.
Variant type: single nucleotide variant.
Coding change: c.548G>T on transcript NM_000059.4 (MANE Select); coding-DNA position 548, G replaced by T.
Protein change: p.Ser183Ile; replaces serine 183 with isoleucine.
Molecular consequence: missense variant. On other transcripts: non-coding transcript variant (1).
Genome position (GRCh38, 1-based): chr13:32,326,530, G>T. VCF-style: chr13-32326530-G-T. GRCh37 (hg19) VCF-style: chr13-32900667-G-T.
Other names: c.548G>T, p.Ser183Ile (NM_001406719.1, NM_001406720.1, NM_001406721.1 and 1 more transcripts); c.179G>T, p.Ser60Ile (NM_001406722.1); short protein forms S183I, S60I.
Identifiers: ClinVar variation 3618001 (VCV003618001.2).
Genomic context (GRCh38, chr13:32,326,530, plus strand): 5'-AAAAAATAAACTATTTTCTTTCCTCCCAGGGTCGTCAGACACCAAAACATATTTCTGAAA[G>T]TCTAGGAGCTGAGGTGGATCCTGATATGTCTTGGTCAAGTTCTTTAGCTACACCACCCAC-3'
Protein context (NP_000050.3, residues 173-193): GRQTPKHISE[Ser183Ile]LGAEVDPDMS

ClinVar aggregate classification (germline): Uncertain significance (1 of 4 stars; one submission).

Conditions:
Hereditary breast ovarian cancer syndrome. Also called: Hereditary breast and ovarian cancer syndrome; Breast and ovarian cancer; Hereditary breast and ovarian cancer syndrome (HBOC); Hereditary breast and ovarian cancer; BRCA1- and BRCA2-Associated Hereditary Breast and Ovarian Cancer; Hereditary breast and/or ovarian cancer syndrome. Identifiers: Orphanet 145, MedGen C0677776, MeSH D061325, MONDO:0003582. Disease mechanism: loss of function.

Submission:

Labcorp Genetics (formerly Invitae), Labcorp
Classification: Uncertain significance for Hereditary breast ovarian cancer syndrome. Last evaluated: 2025-01-07. Review status: criteria provided, single submitter. Criteria: Invitae Variant Classification Sherloc (09022015). Collection method: clinical testing. Allele origin: germline.
Comment: This sequence change replaces serine, which is neutral and polar, with isoleucine, which is neutral and non-polar, at codon 183 of the BRCA2 protein (p.Ser183Ile). This variant is not present in population databases (gnomAD no frequency). This variant has not been reported in the literature in individuals affected with BRCA2-related conditions. Invitae Evidence Modeling of protein sequence and biophysical properties (such as structural, functional, and spatial information, amino acid conservation, physicochemical variation, residue mobility, and thermodynamic stability) indicates that this missense variant is not expected to disrupt BRCA2 protein function with a negative predictive value of 95%. In summary, the available evidence is currently insufficient to determine the role of this variant in disease. Therefore, it has been classified as a Variant of Uncertain Significance.